The following is an entry in ClinVar:

ClinVar aggregate classification (germline): Uncertain significance (1 of 4 stars; one submission).

Conditions:
Osteogenesis imperfecta type 11. Also called: Osteogenesis imperfecta, type XI; OI, TYPE XI. Identifiers: Orphanet 666, MedGen C3151218, MONDO:0012592, OMIM 610968.

Submission:

Baylor Genetics
Classification: Uncertain significance for Osteogenesis imperfecta type 11. Last evaluated: 2020-07-27. Review status: criteria provided, single submitter. Criteria: ACMG Guidelines, 2015. Collection method: clinical testing. Allele origin: unknown. Affected: yes.
Comment: This variant was determined to be of uncertain significance according to ACMG Guidelines, 2015 [PMID:25741868].

NM_021939.4(FKBP10):c.1029C>G (p.Ile343Met)

Gene: FKBP10 (FKBP prolyl isomerase 10; plus strand). Cytogenetic location: 17q21.2.
Variant type: single nucleotide variant.
Coding change: c.1029C>G on transcript NM_021939.4 (MANE Select); coding-DNA position 1029, C replaced by G.
Protein change: p.Ile343Met; replaces isoleucine 343 with methionine.
Molecular consequence: missense variant.
Genome position (GRCh38, 1-based): chr17:41,819,641, C>G. VCF-style: chr17-41819641-C-G. GRCh37 (hg19) VCF-style: chr17-39975893-C-G.
Other names: short protein forms I343M.
Identifiers: ClinVar variation 1030777 (VCV001030777.1), dbSNP rs782632205, ClinGen allele CA399516893.